The following is an entry in ClinVar:

ClinVar aggregate classification (germline): Pathogenic/Likely pathogenic. Review status: criteria provided, multiple submitters, no conflicts (2 of 4 stars). 3 submissions from 3 submitters: Pathogenic (2); Likely pathogenic (1). Last evaluated 2026-01-12.

Conditions:
Methylmalonic aciduria due to methylmalonyl-CoA mutase deficiency (MAMM). Also called: Methylmalonic aciduria, mut type. Identifiers: Orphanet 27, MedGen C1855114, MONDO:0009612, OMIM 251000.
Methylmalonic aciduria due to complete methylmalonyl-CoA mutase deficiency.

Allele frequency attached by ClinVar (database versions not stated): gnomAD exomes below 0.00001; ExAC 0.00001; TOPMed 0.00001.
gnomAD v4.1: 2 of 1,613,366 alleles (0.00012%); highest among the groups gnomAD compares: Non-Finnish European, 0.00017%; no homozygotes.

Submissions (3):

Labcorp Genetics (formerly Invitae), Labcorp
Classification: Pathogenic. Last evaluated: 2026-01-12. Review status: criteria provided, single submitter. Criteria: Invitae Variant Classification Sherloc (09022015). Collection method: clinical testing. Allele origin: germline.
Comment: This sequence change replaces arginine, which is basic and polar, with lysine, which is basic and polar, at codon 326 of the MUT protein (p.Arg326Lys). This variant is present in population databases (rs758577372, gnomAD 0.007%). This missense change has been observed in individual(s) with methylmalonic aciduria (PMID: 27167370, 32754920). In at least one individual the data is consistent with being in trans (on the opposite chromosome) from a pathogenic variant. ClinVar contains an entry for this variant (Variation ID: 222926). Invitae Evidence Modeling of protein sequence and biophysical properties (such as structural, functional, and spatial information, amino acid conservation, physicochemical variation, residue mobility, and thermodynamic stability) indicates that this missense variant is expected to disrupt MUT protein function with a positive predictive value of 95%. This variant disrupts the p.Arg326 amino acid residue in MUT. Other variant(s) that disrupt this residue have been determined to be pathogenic (PMID: 29158924, 30022420, 30712249). This suggests that this residue is clinically significant, and that variants that disrupt this residue are likely to be disease-causing. For these reasons, this variant has been classified as Pathogenic.

Natera, Inc.
Classification: Likely pathogenic for Methylmalonic aciduria due to complete methylmalonyl-CoA mutase deficiency. Last evaluated: 2025-10-30. Review status: criteria provided, single submitter. Criteria: Natera Variant Classification Schema (03/2026). Collection method: clinical testing. Allele origin: germline.
Comment: The c.977G>A variant in MMUT is a missense variant predicted to cause substitution of arginine to lysine at amino acid 326. This variant is rare in the general population with a frequency below the threshold expected for the associated phenotype(s). This variant has been observed in one or more individuals affected with the associated recessive disease, as either homozygous or compound heterozygous with a second variant (PMID: 32754920, 27167370). A different variant at the same position has been determined to be Pathogenic or Likely Pathogenic. Computational prediction algorithms indicate this variant is likely to affect gene or protein function. Given the available evidence, this variant is classified as Likely Pathogenic.

University Children's Hospital, University of Zurich
Classification: Pathogenic for Methylmalonic aciduria due to methylmalonyl-CoA mutase deficiency. Review status: criteria provided, single submitter. Criteria: Forny et al. (Hum Mutat. 2016). Collection method: clinical testing. Allele origin: germline. Inheritance: Autosomal recessive inheritance. Affected: yes.

Literature cited by the submitters: PubMed 27167370 (cited by Labcorp Genetics (formerly Invitae), Labcorp and Natera, Inc.); PubMed 32754920 (cited by Labcorp Genetics (formerly Invitae), Labcorp and Natera, Inc.); PubMed 29158924 (cited by Labcorp Genetics (formerly Invitae), Labcorp); PubMed 30022420 (cited by Labcorp Genetics (formerly Invitae), Labcorp); PubMed 30712249 (cited by Labcorp Genetics (formerly Invitae), Labcorp); PubMed 25736335 (cited by University Children's Hospital, University of Zurich).

NM_000255.4(MMUT):c.977G>A (p.Arg326Lys)

Gene: MMUT (methylmalonyl-CoA mutase; minus strand). Cytogenetic location: 6p12.3.
Variant type: single nucleotide variant.
Coding change: c.977G>A on transcript NM_000255.4 (MANE Select); coding-DNA position 977, G replaced by A.
Protein change: p.Arg326Lys; replaces arginine 326 with lysine.
Molecular consequence: missense variant.
Genome position (GRCh38, 1-based): chr6:49,453,691, C>T on the plus strand (G>A on the coding strand, the complement: MMUT is on the minus strand). VCF-style: chr6-49453691-C-T. GRCh37 (hg19) VCF-style: chr6-49421404-C-T.
Other names: short protein forms R326K.
Identifiers: ClinVar variation 222926 (VCV000222926.9), dbSNP rs758577372, ClinGen allele CA3846994.
Genomic context (GRCh38, chr6:49,453,691, plus strand): 5'-AGAAGAGATTTTGAGTTTTTAGGCTGAAACATTTTCTCTATTAAGTGAGCCCAGAGTCTT[C>T]TACCAGCTCTCATCTTTGCTATTTCCATATAGAAATTCATTCCAATTCCCCAGAAGAAAG-3'
Protein context (NP_000246.2, residues 316-336): YMEIAKMRAG[Arg326Lys]RLWAHLIEKM